The following is an entry in ClinVar:

NM_004360.5(CDH1):c.1558A>G (p.Lys520Glu)

Gene: CDH1 (cadherin 1; plus strand). Cytogenetic location: 16q22.1.
Variant type: single nucleotide variant.
Coding change: c.1558A>G on transcript NM_004360.5 (MANE Select); coding-DNA position 1558, A replaced by G.
Protein change: p.Lys520Glu; replaces lysine 520 with glutamic acid.
Molecular consequence: missense variant. On other transcripts: 5 prime UTR variant (1).
Genome position (GRCh38, 1-based): chr16:68,815,752, A>G. VCF-style: chr16-68815752-A-G. GRCh37 (hg19) VCF-style: chr16-68849655-A-G.
Other names: c.1558A>G (LRG_301t1); c.1375A>G, p.Lys459Glu (NM_001317184.2); c.10A>G, p.Lys4Glu (NM_001317185.2); c.-262A>G (NM_001317186.2); short protein forms K520E, K459E, K4E.
Identifiers: ClinVar variation 463721 (VCV000463721.9), dbSNP rs1555516192, ClinGen allele CA396463664.
Genomic context (GRCh38, chr16:68,815,752, plus strand): 5'-GGCGTGGGCCAGGAAATCACATCCTACACTGCCCAGGAGCCAGACACATTTATGGAACAG[A>G]AAATAACGTAAGTGTGAGGATTTTTCAACTGACTTGCAGCAACTGGTTATTTTATATCAT-3'
Protein context (NP_004351.1, residues 510-530): AQEPDTFMEQ[Lys520Glu]ITYRIWRDTA

ClinVar aggregate classification (germline): Uncertain significance (1 of 4 stars; one submission).

Conditions:
Hereditary diffuse gastric adenocarcinoma (HDGC). Also called: DIFFUSE GASTRIC AND LOBULAR BREAST CANCER SYNDROME. Identifiers: Orphanet 26106, MedGen C1708349, MONDO:0007648, OMIM 137215.

Submission:

Labcorp Genetics (formerly Invitae), Labcorp
Classification: Uncertain significance for Hereditary diffuse gastric adenocarcinoma. Last evaluated: 2017-03-08. Review status: criteria provided, single submitter. Criteria: Invitae Variant Classification Sherloc (09022015). Collection method: clinical testing. Allele origin: germline.
Comment: In summary, this variant is a novel missense change with uncertain impact on protein function. It has been classified as a Variant of Uncertain Significance. Algorithms developed to predict the effect of missense changes on protein structure and function do not agree on the potential impact of this missense change (SIFT: "Deleterious"; PolyPhen-2: "Benign"; Align-GVGD: "Class C15"). This variant is not present in population databases (ExAC no frequency) and has not been reported in the literature in individuals with a CDH1-related disease. This sequence change replaces lysine with glutamic acid at codon 520 of the CDH1 protein (p.Lys520Glu). The lysine residue is highly conserved and there is a small physicochemical difference between lysine and glutamic acid.